The following is an entry in ClinVar:

NM_001161352.2(KCNMA1):c.378+739T>A

Gene: KCNMA1 (potassium calcium-activated channel subfamily M alpha 1; minus strand). Cytogenetic location: 10q22.3.
Variant type: single nucleotide variant.
Coding change: c.378+739T>A on transcript NM_001161352.2 (MANE Select); 739 bases into the intron after coding-DNA position 378, T replaced by A.
Molecular consequence: intron variant. On other transcripts: 3 prime UTR variant (2), missense variant (1).
Genome position (GRCh38, 1-based): chr10:77,636,526, A>T on the plus strand (T>A on the coding strand, the complement: KCNMA1 is on the minus strand). VCF-style: chr10-77636526-A-T. GRCh37 (hg19) VCF-style: chr10-79396284-A-T.
Other names: c.*217T>A (NM_001271520.2); c.*35T>A (NM_001271521.2); c.535T>A, p.Phe179Ile (NM_001322839.2); c.378+739T>A (NM_001271518.2, NM_001322832.2, NM_001410940.1 and 9 more transcripts); c.379-11T>A (NM_001271522.2); short protein forms F179I.
Identifiers: ClinVar variation 3352924 (VCV003352924.1).

ClinVar aggregate classification (germline): Likely benign (0 of 4 stars; one submission).

Conditions:
KCNMA1-related disorder. Also called: KCNMA1-related disorders; KCNMA1-related condition.

gnomAD v4.1: 123 of 1,536,156 alleles (0.008%); highest among the groups gnomAD compares: African/African-American, 0.17%; no homozygotes.

Submission:

PreventionGenetics, part of Exact Sciences
Classification: Likely benign for KCNMA1-related condition. Last evaluated: 2024-08-13. Review status: no assertion criteria provided. Collection method: clinical testing. Allele origin: germline.
Comment: This variant is classified as likely benign based on ACMG/AMP sequence variant interpretation guidelines (Richards et al. 2015 PMID: 25741868, with internal and published modifications).